The following is an entry in ClinVar:

ClinVar aggregate classification (germline): Likely benign. Review status: reviewed by expert panel (3 of 4 stars). 2 submissions from 2 submitters: Likely benign (1). 1 of the submissions does not count toward it. Last evaluated 2025-01-09.

Conditions:
Autosomal recessive limb-girdle muscular dystrophy type 2E (LGMDR4). Also called: MUSCULAR DYSTROPHY, LIMB-GIRDLE, AUTOSOMAL RECESSIVE 4. Identifiers: Orphanet 119, MedGen C1858593, MONDO:0011423, OMIM 604286. Disease mechanism: Affects gamma-sarcoglycan and also disrupts the integrity of the entire sarcoglycan complex..
Autosomal recessive limb-girdle muscular dystrophy. Identifiers: Orphanet 102015, MedGen C2931907, MONDO:0015152.

Allele frequency attached by ClinVar (database versions not stated): gnomAD 0.00001; TOPMed 0.00002; ExAC 0.00003; gnomAD exomes 0.00003.
gnomAD v4.1: 7 of 1,613,724 alleles (0.00043%); highest among the groups gnomAD compares: East Asian, 0.016%; no homozygotes.

Submissions (2):

ClinGen Limb Girdle Muscular Dystrophy Variant Curation Expert Panel, ClinGen
Classification: Likely benign for Autosomal recessive limb-girdle muscular dystrophy. Last evaluated: 2025-01-09. Review status: reviewed by expert panel. Criteria: ClinGen LGMD VCEP ACMG Specifications SGCB V1.0.0. Collection method: curation. Allele origin: germline. Inheritance: Autosomal recessive inheritance.
Comment: The NM_000232.5: c.390G>A p.(Arg130=) variant in SGCB is a synonymous (silent) variant that is not predicted to influence splicing by SpliceAI (score 0.01) (BP4, BP7). The highest population minor allele frequency in gnomAD v2.1.1 is 0.0005012 (10/19952 alleles) in the East Asian population (PM2_Supporting, BS1, BA1 not met). In summary, this variant meets the criteria to be classified as Likely Benign for autosomal recessive limb girdle muscular dystrophy based on the ACMG/AMP criteria applied, as specified by the ClinGen LGMD VCEP (LGMD VCEP specifications version 1.0.0; 01/09/2025): BP4, BP7.

Labcorp Genetics (formerly Invitae), Labcorp
Classification: Likely benign for Autosomal recessive limb-girdle muscular dystrophy type 2E. Last evaluated: 2024-03-02. Review status: criteria provided, single submitter. Criteria: Invitae Variant Classification Sherloc (09022015). Collection method: clinical testing. Allele origin: germline. Not counted in ClinVar's aggregate classification.

NM_000232.5(SGCB):c.390G>A (p.Arg130=)

Gene: SGCB (sarcoglycan beta; minus strand). Cytogenetic location: 4q12.
Variant type: single nucleotide variant.
Coding change: c.390G>A on transcript NM_000232.5 (MANE Select); coding-DNA position 390, G replaced by A.
Protein change: p.Arg130=; no amino-acid change (arginine 130 retained).
Molecular consequence: synonymous variant.
Genome position (GRCh38, 1-based): chr4:52,029,717, C>T on the plus strand (G>A on the coding strand, the complement: SGCB is on the minus strand). VCF-style: chr4-52029717-C-T. GRCh37 (hg19) VCF-style: chr4-52895883-C-T.
Other names: NM_000232.5(SGCB):c.390G>A; p.Arg130=.
Identifiers: ClinVar variation 1140495 (VCV001140495.10), dbSNP rs781679527, ClinGen allele CA2918419.